The following is an entry in ClinVar:

ClinVar aggregate classification (germline): Uncertain significance (1 of 4 stars; one submission).

Conditions:
Hereditary cancer-predisposing syndrome. Also called: Hereditary neoplastic syndrome; Neoplastic Syndromes, Hereditary; Tumor predisposition; Hereditary Cancer Syndrome. Identifiers: Orphanet 140162, MedGen C0027672, MeSH D009386, MONDO:0015356.

Submission:

Ambry Genetics
Classification: Uncertain significance for Hereditary cancer-predisposing syndrome. Last evaluated: 2025-08-27. Review status: criteria provided, single submitter. Criteria: Ambry Variant Classification Scheme 2023. Collection method: clinical testing. Allele origin: germline.
Comment: The p.V76G variant (also known as c.227T>G), located in coding exon 3 of the MUTYH gene, results from a T to G substitution at nucleotide position 227. The valine at codon 76 is replaced by glycine, an amino acid with dissimilar properties. This amino acid position is conserved. In addition, this alteration is predicted to be tolerated by in silico analysis. Based on the available evidence, the clinical significance of this variant remains unclear.

NM_001048174.2(MUTYH):c.143T>G (p.Val48Gly)

Gene: MUTYH (mutY DNA glycosylase; minus strand). Cytogenetic location: 1p34.1.
Variant type: single nucleotide variant.
Coding change: c.143T>G on transcript NM_001048174.2 (MANE Select); coding-DNA position 143, T replaced by G.
Protein change: p.Val48Gly; replaces valine 48 with glycine.
Molecular consequence: missense variant. On other transcripts: 5 prime UTR variant (1), non-coding transcript variant (5), intron variant (5).
Genome position (GRCh38, 1-based): chr1:45,333,534, A>C on the plus strand (T>G on the coding strand, the complement: MUTYH is on the minus strand). VCF-style: chr1-45333534-A-C. GRCh37 (hg19) VCF-style: chr1-45799206-A-C.
Other names: c.143T>G, p.Val48Gly (NM_001048171.2, NM_001048173.2, NM_001293195.2 and 6 more transcripts); c.146T>G, p.Val49Gly (NM_001048172.2, NM_001407071.1, NM_001407078.1 and 2 more transcripts); c.227T>G, p.Val76Gly (NM_001128425.2); c.188T>G, p.Val63Gly (NM_001293190.2); c.176T>G, p.Val59Gly (NM_001293191.2, NM_001407077.1); c.-129T>G (NM_001350650.2); c.218T>G, p.Val73Gly (NM_001407069.1, NM_012222.3); c.185T>G, p.Val62Gly (NM_001407073.1, NM_001407083.1, NM_001407085.1); and 4 more; short protein forms V20G, V73G, V49G, V63G, V76G, V48G, V59G, V62G.
Identifiers: ClinVar variation 4113528 (VCV004113528.1).